The following is an entry in ClinVar:

ClinVar aggregate classification (germline): Pathogenic (1 of 4 stars; one submission).

Submission:

Labcorp Genetics (formerly Invitae), Labcorp
Classification: Pathogenic. Last evaluated: 2022-01-07. Review status: criteria provided, single submitter. Criteria: Invitae Variant Classification Sherloc (09022015). Collection method: clinical testing. Allele origin: germline.
Comment: For these reasons, this variant has been classified as Pathogenic. This variant has not been reported in the literature in individuals affected with C2CD3-related conditions. This variant is present in population databases (no rsID available, gnomAD 0.003%). This sequence change creates a premature translational stop signal (p.Thr1917Asnfs*11) in the C2CD3 gene. It is expected to result in an absent or disrupted protein product. Loss-of-function variants in C2CD3 are known to be pathogenic (PMID: 24997988, 26477546).

Literature cited by the submitters: PubMed 24997988; PubMed 26477546.

NM_001286577.2(C2CD3):c.5749dup (p.Thr1917fs)

Genes: C2CD3 (C2 domain containing 3 centriole elongation regulator; minus strand), LOC126861262 (CDK7 strongly-dependent group 2 enhancer GRCh37_chr11:73747696-73748895; plus strand). Cytogenetic location: 11q13.4.
Variant type: Duplication.
Coding change: c.5749dup on transcript NM_001286577.2 (MANE Select); coding-DNA position 5749, one base duplicated (A; older notation c.5749dupA).
Protein change: p.Thr1917fs; shifts the reading frame from threonine 1917.
Molecular consequence: frameshift variant.
Genome position (GRCh38, 1-based): chr11:74,037,610, T duplicated on the plus strand (A on the coding strand, the reverse complement: C2CD3 is on the minus strand); the first of 3 consecutive T bases (chr11:74,037,610-74,037,612); duplicating any one gives the same sequence. VCF-style (leftmost placement, unchanged base first): chr11-74037609-G-GT. GRCh37 (hg19) VCF-style: chr11-73748654-G-GT.
Other names: c.5749dup, p.Thr1917fs (NM_015531.6); short protein forms T1917fs.
Identifiers: ClinVar variation 1910492 (VCV001910492.5), dbSNP rs1565215813, ClinGen allele CA600244906.